The following is an entry in ClinVar:

ClinVar aggregate classification (germline): Uncertain significance (1 of 4 stars; one submission).

Conditions:
Long QT syndrome 2 (LQT2). Identifiers: Orphanet 101016, Orphanet 768, MedGen C3150943, MONDO:0013367, OMIM 613688.

Submission:

Laboratory of Medical Genetics, National & Kapodistrian University of Athens
Classification: Uncertain significance for Long QT syndrome 2. Last evaluated: 2021-10-06. Review status: criteria provided, single submitter. Criteria: ACMG Guidelines, 2015. Collection method: clinical testing. Allele origin: unknown. Affected: yes.
Comment: PM1, PM2, PP3

Literature cited by the submitters: PubMed 34008892.

NM_000238.4(KCNH2):c.251A>G (p.Gln84Arg)

Gene: KCNH2 (potassium voltage-gated channel subfamily H member 2; minus strand). Cytogenetic location: 7q36.1.
Variant type: single nucleotide variant.
Coding change: c.251A>G on transcript NM_000238.4 (MANE Select); coding-DNA position 251, A replaced by G.
Protein change: p.Gln84Arg; replaces glutamine 84 with arginine.
Molecular consequence: missense variant.
Genome position (GRCh38, 1-based): chr7:150,974,767, T>C on the plus strand (A>G on the coding strand, the complement: KCNH2 is on the minus strand). VCF-style: chr7-150974767-T-C. GRCh37 (hg19) VCF-style: chr7-150671855-T-C.
Other names: c.74A>G, p.Gln25Arg (NM_001406755.1); c.251A>G, p.Gln84Arg (NM_172056.3); short protein forms Q84R, Q25R.
Identifiers: ClinVar variation 1299593 (VCV001299593.3), dbSNP rs2117062555, ClinGen allele CA369865466.